The following is an entry in ClinVar:

NM_004656.4(BAP1):c.514A>G (p.Ser172Gly)

Gene: BAP1 (BRCA1 associated deubiquitinase 1; minus strand). Cytogenetic location: 3p21.1.
Variant type: single nucleotide variant.
Coding change: c.514A>G on transcript NM_004656.4 (MANE Select); coding-DNA position 514, A replaced by G.
Protein change: p.Ser172Gly; replaces serine 172 with glycine.
Molecular consequence: missense variant.
Genome position (GRCh38, 1-based): chr3:52,407,240, T>C on the plus strand (A>G on the coding strand, the complement: BAP1 is on the minus strand). VCF-style: chr3-52407240-T-C. GRCh37 (hg19) VCF-style: chr3-52441256-T-C.
Other names: c.514A>G, p.Ser172Gly (NM_001410772.1); short protein forms S172G.
Identifiers: ClinVar variation 3477816 (VCV003477816.1).

ClinVar aggregate classification (germline): Uncertain significance (1 of 4 stars; one submission).

Conditions:
Hereditary cancer-predisposing syndrome. Also called: Tumor predisposition; Neoplastic Syndromes, Hereditary; Hereditary neoplastic syndrome; Hereditary Cancer Syndrome. Identifiers: Orphanet 140162, MedGen C0027672, MeSH D009386, MONDO:0015356.

Submission:

Ambry Genetics
Classification: Uncertain significance for Hereditary cancer-predisposing syndrome. Last evaluated: 2024-10-28. Review status: criteria provided, single submitter. Criteria: Ambry Variant Classification Scheme 2023. Collection method: clinical testing. Allele origin: germline.
Comment: The p.S172G variant (also known as c.514A>G), located in coding exon 7 of the BAP1 gene, results from an A to G substitution at nucleotide position 514. The serine at codon 172 is replaced by glycine, an amino acid with similar properties. This amino acid position is conserved. In addition, the in silico prediction for this alteration is inconclusive. Based on the available evidence, the clinical significance of this variant remains unclear.